The following is an entry in ClinVar:

NM_207352.4(CYP4V2):c.1107C>T (p.Pro369=)

Gene: CYP4V2 (cytochrome P450 family 4 subfamily V member 2; plus strand). Cytogenetic location: 4q35.2.
Variant type: single nucleotide variant.
Coding change: c.1107C>T on transcript NM_207352.4 (MANE Select); coding-DNA position 1107, C replaced by T.
Protein change: p.Pro369=; no amino-acid change (proline 369 retained).
Molecular consequence: synonymous variant.
Genome position (GRCh38, 1-based): chr4:186,208,881, C>T. VCF-style: chr4-186208881-C-T. GRCh37 (hg19) VCF-style: chr4-187130035-C-T.
Other names: c.1107C>T (NM_207352.3).
Identifiers: ClinVar variation 2172476 (VCV002172476.5), dbSNP rs532572776, ClinGen allele CA112134685.
Genomic context (GRCh38, chr4:186,208,881, plus strand): 5'-CCCCACTGCTCTTTCAGGTCATCTTATCTACTTGCTTTCATCAGGGAAGTCTGACCGTCC[C>T]GCTACAGTAGAAGACCTGAAGAAACTTCGGTATCTGGAATGTGTTATTAAGGAGACCCTT-3'
Protein context (NP_997235.3, residues 359-379): LDDVFGKSDR[Pro369=]ATVEDLKKLR

ClinVar aggregate classification (germline): Likely benign. Review status: criteria provided, multiple submitters, no conflicts (2 of 4 stars). 2 submissions from 2 submitters: Likely benign (2). Last evaluated 2026-03-26.

Conditions:
CYP4V2-related disorder. Also called: CYP4V2-related condition; CYP4V2-related disorders.

Allele frequency attached by ClinVar (database versions not stated): 1000 Genomes Project 30x 0.00016; 1000 Genomes Project 0.00020.
gnomAD v4.1: 14 of 1,614,196 alleles (0.00087%); highest among the groups gnomAD compares: African/African-American, 0.0027%; no homozygotes.

Submissions (2):

PreventionGenetics, part of Exact Sciences
Classification: Likely benign for CYP4V2-related condition. Last evaluated: 2026-03-26. Review status: criteria provided, single submitter. Criteria: ACMG Guidelines, 2015. Collection method: clinical testing. Allele origin: germline.
Comment: This variant is classified as likely benign based on ACMG/AMP sequence variant interpretation guidelines (Richards et al. 2015 PMID: 25741868, with internal and published modifications).

Labcorp Genetics (formerly Invitae), Labcorp
Classification: Likely benign. Last evaluated: 2024-09-04. Review status: criteria provided, single submitter. Criteria: Invitae Variant Classification Sherloc (09022015). Collection method: clinical testing. Allele origin: germline.